The following is an entry in ClinVar:

NM_001267550.2(TTN):c.26057G>T (p.Gly8686Val)

Gene: TTN (titin; minus strand). Cytogenetic location: 2q31.2.
Variant type: single nucleotide variant.
Coding change: c.26057G>T on transcript NM_001267550.2 (MANE Select); coding-DNA position 26057, G replaced by T.
Protein change: p.Gly8686Val; replaces glycine 8686 with valine.
Molecular consequence: missense variant. On other transcripts: intron variant (3).
Genome position (GRCh38, 1-based): chr2:178,715,129, C>A on the plus strand (G>T on the coding strand, the complement: TTN is on the minus strand). VCF-style: chr2-178715129-C-A. GRCh37 (hg19) VCF-style: chr2-179579856-C-A.
Other names: c.25106G>T, p.Gly8369Val (NM_001256850.1); c.22325G>T, p.Gly7442Val (NM_133378.4); c.13282+22953G>T (NM_003319.4); c.13858+22953G>T (NM_133437.4); c.13657+22953G>T (NM_133432.3); short protein forms G7442V, G8369V, G8686V.
Identifiers: ClinVar variation 3603069 (VCV003603069.2).

ClinVar aggregate classification (germline): Uncertain significance. Review status: criteria provided, multiple submitters, no conflicts (2 of 4 stars). 2 submissions from 2 submitters: Uncertain significance (2). Last evaluated 2025-01-03.

gnomAD v4.1: 2 of 1,613,706 alleles (0.00012%); highest among the groups gnomAD compares: Non-Finnish European, 0.00017%; no homozygotes.

Submissions (2):

Revvity Omics, Revvity
Classification: Uncertain significance. Last evaluated: 2025-01-03. Review status: criteria provided, single submitter. Criteria: ACMG Guidelines, 2015. Collection method: clinical testing. Allele origin: germline.

GeneDx
Classification: Uncertain significance. Last evaluated: 2024-08-06. Review status: criteria provided, single submitter. Criteria: GeneDx Variant Classification Process June 2021. Collection method: clinical testing. Allele origin: germline. Affected: yes.
Comment: Not observed at significant frequency in large population cohorts (gnomAD); Missense variant in a gene in which most reported pathogenic variants are truncating/loss of function; Has not been previously published as pathogenic or benign to our knowledge